The following is an entry in ClinVar:

ClinVar aggregate classification (germline): Conflicting classifications of pathogenicity. Review status: criteria provided, conflicting classifications (1 of 4 stars). 3 submissions from 3 submitters: Uncertain significance (2); Likely benign (1). Last evaluated 2025-11-27.

Conditions:
Adams-Oliver syndrome 5 (AOS5). Identifiers: Orphanet 974, MedGen C4014970, MONDO:0014459, OMIM 616028.
NOTCH1-related disorder. Also called: NOTCH1-related disorders; NOTCH1-related condition.

Allele frequency attached by ClinVar (database versions not stated): TOPMed below 0.00001; ExAC 0.00001; gnomAD 0.00001; gnomAD exomes 0.00001.
gnomAD v4.1: 15 of 1,613,142 alleles (0.00093%); highest among the groups gnomAD compares: East Asian, 0.0022%; no homozygotes.

Submissions (3):

Labcorp Genetics (formerly Invitae), Labcorp
Classification: Likely benign for Adams-Oliver syndrome 5. Last evaluated: 2025-11-27. Review status: criteria provided, single submitter. Criteria: Invitae Variant Classification Sherloc (09022015). Collection method: clinical testing. Allele origin: germline.

GeneDx
Classification: Uncertain significance. Last evaluated: 2024-12-10. Review status: criteria provided, single submitter. Criteria: GeneDx Variant Classification Process June 2021. Collection method: clinical testing. Allele origin: germline. Affected: yes.
Comment: Not observed at significant frequency in large population cohorts (gnomAD); In silico analysis supports that this missense variant has a deleterious effect on protein structure/function; Identified in a cohort of patients with lymphatic malformations in the published literature (PMID: 33247628); This variant is associated with the following publications: (PMID: 33247628)

PreventionGenetics, part of Exact Sciences
Classification: Uncertain significance for NOTCH1-related condition. Last evaluated: 2023-02-15. Review status: criteria provided, single submitter. Criteria: ACMG Guidelines, 2015. Collection method: clinical testing. Allele origin: germline.
Comment: The NOTCH1 c.3197C>T variant is predicted to result in the amino acid substitution p.Ser1066Leu. This variant was reported in an individual with lymphedema (Michelini et al 2021. PubMed ID: 33247628). This variant is reported in 0.0051% of alleles in individuals of East Asian descent in gnomAD. At this time, the clinical significance of this variant is uncertain due to the absence of conclusive functional and genetic evidence.

NM_017617.5(NOTCH1):c.3197C>T (p.Ser1066Leu)

Gene: NOTCH1 (notch receptor 1; minus strand). Cytogenetic location: 9q34.3.
Variant type: single nucleotide variant.
Coding change: c.3197C>T on transcript NM_017617.5 (MANE Select); coding-DNA position 3197, C replaced by T.
Protein change: p.Ser1066Leu; replaces serine 1066 with leucine.
Molecular consequence: missense variant.
Genome position (GRCh38, 1-based): chr9:136,508,360, G>A on the plus strand (C>T on the coding strand, the complement: NOTCH1 is on the minus strand). VCF-style: chr9-136508360-G-A. GRCh37 (hg19) VCF-style: chr9-139402812-G-A.
Other names: c.3197C>T (NM_017617.3); short protein forms S1066L.
Identifiers: ClinVar variation 2628802 (VCV002628802.5), dbSNP rs771739312, ClinGen allele CA5341019.